The following is an entry in ClinVar:

ClinVar aggregate classification (germline): Likely pathogenic (1 of 4 stars; one submission).

Conditions:
Galactosemia. Also called: Galactose intolerance. Identifiers: Orphanet 352, MedGen C0016952, MONDO:0018116, HP:0004919. Disease mechanism: loss of function.

Submission:

Natera, Inc.
Classification: Likely pathogenic for Galactosemia. Last evaluated: 2025-03-17. Review status: criteria provided, single submitter. Criteria: Natera Variant Classification Schema (03/2026). Collection method: clinical testing. Allele origin: germline.
Comment: The c.370G>T variant in GALT is a nonsense variant predicted to introduce a stop codon at amino acid 124. This variant is expected to result in nonsense mediated decay, truncation, or a dysfunctional protein product. This variant is rare in the general population with a frequency below the threshold expected for the associated phenotype(s). Given the available evidence, this variant is classified as Likely Pathogenic.

NM_000155.4(GALT):c.370G>T (p.Gly124Ter)

Gene: GALT (galactose-1-phosphate uridylyltransferase; plus strand). Cytogenetic location: 9p13.3.
Variant type: single nucleotide variant.
Coding change: c.370G>T on transcript NM_000155.4 (MANE Select); coding-DNA position 370, G replaced by T.
Protein change: p.Gly124Ter; replaces glycine 124 with a stop codon.
Molecular consequence: nonsense. On other transcripts: intron variant (1).
Genome position (GRCh38, 1-based): chr9:34,647,698, G>T. VCF-style: chr9-34647698-G-T. GRCh37 (hg19) VCF-style: chr9-34647695-G-T.
Other names: c.51-134G>T (NM_001258332.2); short protein forms G124*.
Identifiers: ClinVar variation 4068291 (VCV004068291.2).
Genomic context (GRCh38, chr9:34,647,698, plus strand): 5'-TGATACTCCTTTACCTCAGGACCCAGTGATCATCCCCTTTTCCAAGCAAAGTCTGCTCGA[G>T]GAGTCTGGTAACTATGGATTTCCCCTCTTACAACTTTCAAACCAGAGTTGGAGACTCAGC-3'